The following is an entry in ClinVar:

NM_021930.6(RINT1):c.38C>T (p.Ala13Val)

Gene: RINT1 (RAD50 interactor 1; plus strand). Cytogenetic location: 7q22.3.
Variant type: single nucleotide variant.
Coding change: c.38C>T on transcript NM_021930.6 (MANE Select); coding-DNA position 38, C replaced by T.
Protein change: p.Ala13Val; replaces alanine 13 with valine.
Molecular consequence: missense variant. On other transcripts: 5 prime UTR variant (4), non-coding transcript variant (1).
Genome position (GRCh38, 1-based): chr7:105,532,353, C>T. VCF-style: chr7-105532353-C-T. GRCh37 (hg19) VCF-style: chr7-105172800-C-T.
Other names: c.-60C>T (NM_001346599.2); c.-982C>T (NM_001346600.2); c.-885C>T (NM_001346601.2); c.-505C>T (NM_001346603.2); short protein forms A13V.
Identifiers: ClinVar variation 1054572 (VCV001054572.13), dbSNP rs1310020871, ClinGen allele CA368799064.

ClinVar aggregate classification (germline): Uncertain significance. Review status: criteria provided, multiple submitters, no conflicts (2 of 4 stars). 2 submissions from 2 submitters: Uncertain significance (2). Last evaluated 2025-11-08.

Allele frequency attached by ClinVar (database versions not stated): TOPMed below 0.00001; gnomAD 0.00001; gnomAD exomes 0.00001.
gnomAD v4.1: 73 of 1,601,146 alleles (0.0046%); highest among the groups gnomAD compares: Non-Finnish European, 0.0062%; no homozygotes.

Submissions (2):

Ambry Genetics
Classification: Uncertain significance. Last evaluated: 2025-11-08. Review status: criteria provided, single submitter. Criteria: Ambry Variant Classification Scheme 2023. Collection method: clinical testing. Allele origin: germline.

Labcorp Genetics (formerly Invitae), Labcorp
Classification: Uncertain significance. Last evaluated: 2023-08-17. Review status: criteria provided, single submitter. Criteria: Invitae Variant Classification Sherloc (09022015). Collection method: clinical testing. Allele origin: germline.
Comment: In summary, the available evidence is currently insufficient to determine the role of this variant in disease. Therefore, it has been classified as a Variant of Uncertain Significance. Algorithms developed to predict the effect of missense changes on protein structure and function output the following: SIFT: "Not Available"; PolyPhen-2: "Benign"; Align-GVGD: "Not Available". The valine amino acid residue is found in multiple mammalian species, which suggests that this missense change does not adversely affect protein function. ClinVar contains an entry for this variant (Variation ID: 1054572). This variant has not been reported in the literature in individuals affected with RINT1-related conditions. The frequency data for this variant in the population databases is considered unreliable, as metrics indicate poor data quality at this position in the gnomAD database. This sequence change replaces alanine, which is neutral and non-polar, with valine, which is neutral and non-polar, at codon 13 of the RINT1 protein (p.Ala13Val).